The following is an entry in ClinVar:

ClinVar aggregate classification (germline): Uncertain significance (1 of 4 stars; one submission).

Conditions:
Leber congenital amaurosis 9 (LCA9). Also called: LCA9 Leber Congenital Amaurosis; LCA 9; Amaurosis congenita of Leber, type 9. Identifiers: Orphanet 65, MedGen C1837873, MONDO:0012056, OMIM 608553.

Submission:

Labcorp Genetics (formerly Invitae), Labcorp
Classification: Uncertain significance for Leber congenital amaurosis 9. Last evaluated: 2021-03-05. Review status: criteria provided, single submitter. Criteria: Invitae Variant Classification Sherloc (09022015). Collection method: clinical testing. Allele origin: germline.
Comment: In summary, the available evidence is currently insufficient to determine the role of this variant in disease. Therefore, it has been classified as a Variant of Uncertain Significance. Algorithms developed to predict the effect of missense changes on protein structure and function (SIFT, PolyPhen-2, Align-GVGD) all suggest that this variant is likely to be disruptive, but these predictions have not been confirmed by published functional studies and their clinical significance is uncertain. This sequence change replaces tyrosine with asparagine at codon 55 of the NMNAT1 protein (p.Tyr55Asn). The tyrosine residue is highly conserved and there is a large physicochemical difference between tyrosine and asparagine. This variant is not present in population databases (ExAC no frequency). This variant has not been reported in the literature in individuals with NMNAT1-related conditions.

NM_022787.4(NMNAT1):c.163T>A (p.Tyr55Asn)

Gene: NMNAT1 (nicotinamide nucleotide adenylyltransferase 1; plus strand). Cytogenetic location: 1p36.22.
Variant type: single nucleotide variant.
Coding change: c.163T>A on transcript NM_022787.4 (MANE Select); coding-DNA position 163, T replaced by A.
Protein change: p.Tyr55Asn; replaces tyrosine 55 with asparagine.
Molecular consequence: missense variant.
Genome position (GRCh38, 1-based): chr1:9,975,639, T>A. VCF-style: chr1-9975639-T-A. GRCh37 (hg19) VCF-style: chr1-10035697-T-A.
Other names: c.163T>A, p.Tyr55Asn (NM_001297778.1, NM_001297779.2); short protein forms Y55N.
Identifiers: ClinVar variation 965779 (VCV000965779.9), dbSNP rs1641789249, ClinGen allele CA338684315.